The following is an entry in ClinVar:

ClinVar aggregate classification (germline): Uncertain significance. Review status: criteria provided, multiple submitters, no conflicts (2 of 4 stars). 2 submissions from 2 submitters: Uncertain significance (2). Last evaluated 2025-11-25.

Conditions:
Autosomal dominant nonsyndromic hearing loss 4A. Also called: Deafness, autosomal dominant 4A. Identifiers: Orphanet 90635, MedGen C1833503, MONDO:0010915, OMIM 600652.
Inborn genetic diseases. Identifiers: MedGen C0950123, MeSH D030342.

gnomAD v4.1: 29 of 1,613,832 alleles (0.0018%); highest among the groups gnomAD compares: East Asian, 0.025%; no homozygotes.

Submissions (2):

Ambry Genetics
Classification: Uncertain significance for Inborn genetic diseases. Last evaluated: 2025-11-25. Review status: criteria provided, single submitter. Criteria: Ambry Variant Classification Scheme 2023. Collection method: clinical testing. Allele origin: germline.

Precision Medicine Center, Zhengzhou University
Classification: Uncertain significance for Autosomal dominant nonsyndromic hearing loss 4A. Last evaluated: 2006-06-30. Review status: criteria provided, single submitter. Criteria: ClinGen HL ACMG Specifications v1. Collection method: clinical testing. Allele origin: maternal. Affected: yes.
Comment: PM2:The MYH14 c.1048C>T variant is absent or extremely rare in population databases (PM2). However, no functional evidence, segregation data, de novo occurrence, or clinical enrichment data are currently available. According to the ACMG/AMP guidelines, this variant is classified as Variant of Uncertain Significance (VUS).

NM_001145809.2(MYH14):c.1048C>T (p.Arg350Trp)

Gene: MYH14 (myosin heavy chain 14; plus strand). Cytogenetic location: 19q13.33.
Variant type: single nucleotide variant.
Coding change: c.1048C>T on transcript NM_001145809.2 (MANE Select); coding-DNA position 1048, C replaced by T.
Protein change: p.Arg350Trp; replaces arginine 350 with tryptophan.
Molecular consequence: missense variant.
Genome position (GRCh38, 1-based): chr19:50,232,004, C>T. VCF-style: chr19-50232004-C-T. GRCh37 (hg19) VCF-style: chr19-50735261-C-T.
Other names: c.1048C>T, p.Arg350Trp (NM_001077186.2); c.1024C>T, p.Arg342Trp (NM_024729.4); short protein forms R350W, R342W.
Identifiers: ClinVar variation 4625415 (VCV004625415.2).